The following is an entry in ClinVar:

ClinVar aggregate classification (germline): Uncertain significance (1 of 4 stars; one submission).

Conditions:
Hereditary cancer-predisposing syndrome. Also called: Hereditary Cancer Syndrome; Hereditary neoplastic syndrome; Neoplastic Syndromes, Hereditary; Tumor predisposition. Identifiers: Orphanet 140162, MedGen C0027672, MeSH D009386, MONDO:0015356.

Submission:

Ambry Genetics
Classification: Uncertain significance for Hereditary cancer-predisposing syndrome. Last evaluated: 2025-05-05. Review status: criteria provided, single submitter. Criteria: Ambry Variant Classification Scheme 2023. Collection method: clinical testing. Allele origin: germline.
Comment: The p.E2662G variant (also known as c.7985A>G), located in coding exon 15 of the APC gene, results from an A to G substitution at nucleotide position 7985. The glutamic acid at codon 2662 is replaced by glycine, an amino acid with similar properties. This amino acid position is conserved. In addition, in silico predictors for this gene do not accurately predict pathogenicity. Based on the available evidence, the clinical significance of this variant remains unclear.

NM_000038.6(APC):c.7985A>G (p.Glu2662Gly)

Gene: APC (APC regulator of Wnt signaling pathway; plus strand). Cytogenetic location: 5q22.2.
Variant type: single nucleotide variant.
Coding change: c.7985A>G on transcript NM_000038.6 (MANE Select); coding-DNA position 7985, A replaced by G.
Protein change: p.Glu2662Gly; replaces glutamic acid 2662 with glycine.
Molecular consequence: missense variant. On other transcripts: non-coding transcript variant (2).
Genome position (GRCh38, 1-based): chr5:112,843,579, A>G. VCF-style: chr5-112843579-A-G. GRCh37 (hg19) VCF-style: chr5-112179276-A-G.
Other names: c.7985A>G, p.Glu2662Gly (NM_001127510.3, NM_001354895.2, NM_001407450.1); c.7931A>G, p.Glu2644Gly (NM_001127511.3); c.8039A>G, p.Glu2680Gly (NM_001354896.2, NM_001407447.1, NM_001407448.1 and 1 more transcripts); c.8015A>G, p.Glu2672Gly (NM_001354897.2); c.7910A>G, p.Glu2637Gly (NM_001354898.2); c.7901A>G, p.Glu2634Gly (NM_001354899.2); c.7862A>G, p.Glu2621Gly (NM_001354900.2); c.7808A>G, p.Glu2603Gly (NM_001354901.2, NM_001407453.1); and 11 more; short protein forms E2379G, E2571G, E2634G, E2655G, E2662G, E2533G, E2561G, E2579G.
Identifiers: ClinVar variation 3929234 (VCV003929234.1).